The following is an entry in ClinVar:

NM_152564.5(VPS13B):c.11141G>A (p.Trp3714Ter)

Gene: VPS13B (vacuolar protein sorting 13 homolog B; plus strand). Cytogenetic location: 8q22.2.
Variant type: single nucleotide variant.
Coding change: c.11141G>A on transcript NM_152564.5 (MANE Select); coding-DNA position 11141, G replaced by A.
Protein change: p.Trp3714Ter; replaces tryptophan 3714 with a stop codon.
Molecular consequence: nonsense.
Genome position (GRCh38, 1-based): chr8:99,861,872, G>A. VCF-style: chr8-99861872-G-A. GRCh37 (hg19) VCF-style: chr8-100874100-G-A.
Other names: c.11216G>A, p.Trp3739Ter (NM_017890.5); short protein forms W3739*, W3714*.
Identifiers: ClinVar variation 56634 (VCV000056634.3), dbSNP rs386834060, ClinGen allele CA264003.

ClinVar aggregate classification (germline): Pathogenic. Review status: criteria provided, single submitter (1 of 4 stars). 2 submissions from 2 submitters: Pathogenic (1). 1 of the submissions does not count toward it. Last evaluated 2024-02-19.

Conditions:
Cohen syndrome (COH1). Also called: PEPPER SYNDROME; Cutis verticis gyrata, retinitis pigmentosa, and sensorineural deafness. Identifiers: Orphanet 193, MedGen C0265223, MONDO:0008999, OMIM 216550.

Allele frequency attached by ClinVar (database versions not stated): gnomAD exomes below 0.00001.
gnomAD v4.1: 1 of 1,596,178 alleles (0.000063%); highest among the groups gnomAD compares: Non-Finnish European, 0.000085%; no homozygotes.

Submissions (2):

Institute of Medical Genetics and Applied Genomics, University Hospital Tübingen
Classification: Pathogenic for Cohen syndrome. Last evaluated: 2024-02-19. Review status: criteria provided, single submitter. Criteria: ACMG Guidelines, 2015. Collection method: clinical testing. Allele origin: germline. Inheritance: Autosomal recessive inheritance. Affected: yes.

Juha Muilu Group; Institute for Molecular Medicine Finland (FIMM)
Classification: Likely pathogenic for Cohen syndrome. Review status: no assertion criteria provided. Collection method: not provided. Allele origin: unknown. Not counted in ClinVar's aggregate classification.
Comment: FinDis database variant: This variant was not found or characterized by our laboratory, data were collected from public sources: see reference
ClinVar note: Converted during submission from probable-pathogenic to Likely pathogenic.